The following is an entry in ClinVar:

ClinVar aggregate classification (germline): Uncertain significance. Review status: criteria provided, multiple submitters, no conflicts (2 of 4 stars). 2 submissions from 2 submitters: Uncertain significance (2). Last evaluated 2024-12-10.

Conditions:
Inborn genetic diseases. Identifiers: MedGen C0950123, MeSH D030342.

Submissions (2):

Ambry Genetics
Classification: Uncertain significance for Inborn genetic diseases. Last evaluated: 2024-12-10. Review status: criteria provided, single submitter. Criteria: Ambry Variant Classification Scheme 2023. Collection method: clinical testing. Allele origin: germline.

Labcorp Genetics (formerly Invitae), Labcorp
Classification: Uncertain significance. Last evaluated: 2021-12-23. Review status: criteria provided, single submitter. Criteria: Invitae Variant Classification Sherloc (09022015). Collection method: clinical testing. Allele origin: germline.
Comment: This sequence change replaces glycine, which is neutral and non-polar, with aspartic acid, which is acidic and polar, at codon 259 of the ADSSL1 protein (p.Gly259Asp). This variant is present in population databases (no rsID available, gnomAD 0.004%). This variant has not been reported in the literature in individuals affected with ADSSL1-related conditions. Algorithms developed to predict the effect of missense changes on protein structure and function are either unavailable or do not agree on the potential impact of this missense change (SIFT: "Not Available"; PolyPhen-2: "Benign"; Align-GVGD: "Not Available"). In summary, the available evidence is currently insufficient to determine the role of this variant in disease. Therefore, it has been classified as a Variant of Uncertain Significance.

NM_152328.5(ADSS1):c.647G>A (p.Gly216Asp)

Gene: ADSS1 (adenylosuccinate synthase 1; plus strand). Cytogenetic location: 14q32.33.
Variant type: single nucleotide variant.
Coding change: c.647G>A on transcript NM_152328.5 (MANE Select); coding-DNA position 647, G replaced by A.
Protein change: p.Gly216Asp; replaces glycine 216 with aspartic acid.
Molecular consequence: missense variant.
Genome position (GRCh38, 1-based): chr14:104,740,901, G>A. VCF-style: chr14-104740901-G-A. GRCh37 (hg19) VCF-style: chr14-105207238-G-A.
Other names: c.32G>A, p.Gly11Asp (NM_001320424.1); c.776G>A, p.Gly259Asp (NM_199165.2); c.776G>A (NM_199165.1); short protein forms G259D, G11D, G216D.
Identifiers: ClinVar variation 1909860 (VCV001909860.3), dbSNP rs1054399252, ClinGen allele CA391240158.
Genomic context (GRCh38, chr14:104,740,901, plus strand): 5'-TCAAGAACCTGGCCCACCAGCACCAGTCGATGTTCCCCACCCTGGAAATAGACATTGAAG[G>A]CCAACTCAAAAGGCTCAAGGTGAAGTCGGGGCCGCAGTGTGGGGGCTGCGGAAGTGCTCC-3'
Protein context (NP_689541.1, residues 206-226): MFPTLEIDIE[Gly216Asp]QLKRLKGFAE